The following is an entry in ClinVar:

ClinVar aggregate classification (germline): Uncertain significance (1 of 4 stars; one submission).

Conditions:
Cardiovascular phenotype. Identifiers: MedGen CN230736.

Submission:

Ambry Genetics
Classification: Uncertain significance for Cardiovascular phenotype. Last evaluated: 2022-06-30. Review status: criteria provided, single submitter. Criteria: Ambry Variant Classification Scheme 2023. Collection method: clinical testing. Allele origin: germline.
Comment: The p.L1533V variant (also known as c.4597C>G), located in coding exon 37 of the CACNA1C gene, results from a C to G substitution at nucleotide position 4597. The leucine at codon 1533 is replaced by valine, an amino acid with highly similar properties. This amino acid position is highly conserved in available vertebrate species. In addition, the in silico prediction for this alteration is inconclusive. Since supporting evidence is limited at this time, the clinical significance of this alteration remains unclear.

NM_000719.7(CACNA1C):c.4597C>G (p.Leu1533Val)

Gene: CACNA1C (calcium voltage-gated channel subunit alpha1 C; plus strand). Cytogenetic location: 12p13.33.
Variant type: single nucleotide variant.
Coding change: c.4597C>G on transcript NM_000719.7 (MANE Select); coding-DNA position 4597, C replaced by G.
Protein change: p.Leu1533Val; replaces leucine 1533 with valine.
Molecular consequence: missense variant.
Genome position (GRCh38, 1-based): chr12:2,666,756, C>G. VCF-style: chr12-2666756-C-G. GRCh37 (hg19) VCF-style: chr12-2775922-C-G.
Other names: c.4741C>G, p.Leu1581Val (NM_001129827.2, NM_199460.4); c.4663C>G, p.Leu1555Val (NM_001129829.2); c.4597C>G, p.Leu1533Val (NM_001129830.3, NM_001129833.2, NM_001129834.2 and 7 more transcripts); c.4681C>G, p.Leu1561Val (NM_001129831.2); c.4657C>G, p.Leu1553Val (NM_001129832.2); c.4648C>G, p.Leu1550Val (NM_001129836.2); c.4564C>G, p.Leu1522Val (NM_001129837.2, NM_001129838.2, NM_001129846.2 and 1 more transcripts); c.4558C>G, p.Leu1520Val (NM_001129839.2); and 1 more; short protein forms L1550V, L1522V, L1533V, L1555V, L1561V, L1520V, L1530V, L1553V.
Identifiers: ClinVar variation 1741737 (VCV001741737.2), dbSNP rs2529917731, ClinGen allele CA383376921.
Genomic context (GRCh38, chr12:2,666,756, plus strand): 5'-AAACACCTGGATGTGGTGACCCTCCTCCGGCGGATTCAGCCGCCACTAGGTTTTGGGAAG[C>G]TGTGCCCTCACCGCGTGGCTTGCAAAGTAAGAGATAACGGGGTTCATGGGAGGGAGAGGG-3'
Protein context (NP_000710.5, residues 1523-1543): RIQPPLGFGK[Leu1533Val]CPHRVACKRL